The following is an entry in ClinVar:

NM_177972.3(TUB):c.652C>T (p.Arg218Cys)

Genes: RIC3 (RIC3 acetylcholine receptor chaperone; minus strand), TUB (TUB bipartite transcription factor; plus strand). Cytogenetic location: 11p15.4.
Variant type: single nucleotide variant.
Coding change: c.652C>T on transcript NM_177972.3 (MANE Select); coding-DNA position 652, C replaced by T.
Protein change: p.Arg218Cys; replaces arginine 218 with cysteine.
Molecular consequence: missense variant.
Genome position (GRCh38, 1-based): chr11:8,096,771, C>T. VCF-style: chr11-8096771-C-T. GRCh37 (hg19) VCF-style: chr11-8118318-C-T.
Other names: c.817C>T (NM_003320.4); c.817C>T, p.Arg273Cys (NM_003320.5); short protein forms R273C, R218C.
Identifiers: ClinVar variation 1522506 (VCV001522506.6), dbSNP rs771327456, ClinGen allele CA5871178.

ClinVar aggregate classification (germline): Uncertain significance. Review status: criteria provided, multiple submitters, no conflicts (2 of 4 stars). 2 submissions from 2 submitters: Uncertain significance (2). Last evaluated 2026-07-13.

Conditions:
TUB-related disorder. Also called: TUB-related condition.

Allele frequency attached by ClinVar (database versions not stated): TOPMed 0.00001; ExAC 0.00002; gnomAD exomes 0.00002.
gnomAD v4.1: 15 of 1,614,140 alleles (0.00093%); highest among the groups gnomAD compares: South Asian, 0.0033%; no homozygotes.

Submissions (2):

PreventionGenetics, part of Exact Sciences
Classification: Uncertain significance for TUB-related condition. Last evaluated: 2026-07-13. Review status: criteria provided, single submitter. Criteria: ACMG Guidelines, 2015. Collection method: clinical testing. Allele origin: germline.
Comment: The TUB c.817C>T variant is predicted to result in the amino acid substitution p.Arg273Cys. To our knowledge, this variant has not been reported in the literature. This variant is reported in 0.0062% of alleles in individuals of African descent in gnomAD. At this time, the clinical significance of this variant is uncertain due to the absence of conclusive functional and genetic evidence.

Labcorp Genetics (formerly Invitae), Labcorp
Classification: Uncertain significance. Last evaluated: 2022-07-02. Review status: criteria provided, single submitter. Criteria: Invitae Variant Classification Sherloc (09022015). Collection method: clinical testing. Allele origin: germline.
Comment: This sequence change replaces arginine, which is basic and polar, with cysteine, which is neutral and slightly polar, at codon 273 of the TUB protein (p.Arg273Cys). This variant is present in population databases (rs771327456, gnomAD 0.007%). This variant has not been reported in the literature in individuals affected with TUB-related conditions. ClinVar contains an entry for this variant (Variation ID: 1522506). Algorithms developed to predict the effect of missense changes on protein structure and function are either unavailable or do not agree on the potential impact of this missense change (SIFT: "Deleterious"; PolyPhen-2: "Probably Damaging"; Align-GVGD: "Class C0"). In summary, the available evidence is currently insufficient to determine the role of this variant in disease. Therefore, it has been classified as a Variant of Uncertain Significance.